The following is an entry in ClinVar:

NM_000160.5(GCGR):c.1003G>T (p.Ala335Ser)

Gene: GCGR (glucagon receptor; plus strand). Cytogenetic location: 17q25.3.
Variant type: single nucleotide variant.
Coding change: c.1003G>T on transcript NM_000160.5 (MANE Select); coding-DNA position 1003, G replaced by T.
Protein change: p.Ala335Ser; replaces alanine 335 with serine.
Molecular consequence: missense variant.
Genome position (GRCh38, 1-based): chr17:81,812,631, G>T. VCF-style: chr17-81812631-G-T. GRCh37 (hg19) VCF-style: chr17-79770507-G-T.
Other names: short protein forms A335S.
Identifiers: ClinVar variation 2074145 (VCV002074145.4), dbSNP rs954105221, ClinGen allele CA401503342.
Genomic context (GRCh38, chr17:81,812,631, plus strand): 5'-ACACAGATCAACTTCTTCATCTTCGTCCGCATCGTTCAGCTGCTCGTGGCCAAGCTGCGG[G>T]CACGGCAGATGCACCACACAGACTACAAGTTCCGGTGGGTGCCGCGGCAGCTGGCGTCTC-3'
Protein context (NP_000151.1, residues 325-345): IVQLLVAKLR[Ala335Ser]RQMHHTDYKF

ClinVar aggregate classification (germline): Uncertain significance (1 of 4 stars; one submission).

gnomAD v4.1: 5 of 1,536,410 alleles (0.00033%); highest among the groups gnomAD compares: Non-Finnish European, 0.00044%; no homozygotes.

Submission:

Labcorp Genetics (formerly Invitae), Labcorp
Classification: Uncertain significance. Last evaluated: 2023-05-22. Review status: criteria provided, single submitter. Criteria: Invitae Variant Classification Sherloc (09022015). Collection method: clinical testing. Allele origin: germline.
Comment: This sequence change replaces alanine, which is neutral and non-polar, with serine, which is neutral and polar, at codon 335 of the GCGR protein (p.Ala335Ser). This variant is not present in population databases (gnomAD no frequency). This variant has not been reported in the literature in individuals affected with GCGR-related conditions. ClinVar contains an entry for this variant (Variation ID: 2074145). An algorithm developed to predict the effect of missense changes on protein structure and function (PolyPhen-2) suggests that this variant is likely to be disruptive. In summary, the available evidence is currently insufficient to determine the role of this variant in disease. Therefore, it has been classified as a Variant of Uncertain Significance.